The following is an entry in ClinVar:

NM_004370.6(COL12A1):c.7582A>C (p.Asn2528His)

Gene: COL12A1 (collagen type XII alpha 1 chain; minus strand). Cytogenetic location: 6q13.
Variant type: single nucleotide variant.
Coding change: c.7582A>C on transcript NM_004370.6 (MANE Select); coding-DNA position 7582, A replaced by C.
Protein change: p.Asn2528His; replaces asparagine 2528 with histidine.
Molecular consequence: missense variant.
Genome position (GRCh38, 1-based): chr6:75,115,899, T>G on the plus strand (A>C on the coding strand, the complement: COL12A1 is on the minus strand). VCF-style: chr6-75115899-T-G. GRCh37 (hg19) VCF-style: chr6-75825615-T-G.
Other names: c.7582A>C, p.Asn2528His (NM_001424113.1); c.7561A>C, p.Asn2521His (NM_001424114.1); c.7309A>C, p.Asn2437His (NM_001424115.1); c.4090A>C, p.Asn1364His (NM_001424116.1, NM_080645.3); short protein forms N1364H, N2437H, N2521H, N2528H.
Identifiers: ClinVar variation 3763575 (VCV003763575.2).

ClinVar aggregate classification (germline): Uncertain significance (1 of 4 stars; one submission).

Conditions:
Ullrich congenital muscular dystrophy 2 (UCMD2). Identifiers: Orphanet 75840, MedGen C4225314, MONDO:0014654, OMIM 616470.
Bethlem myopathy 2 (BTHLM2). Identifiers: Orphanet 536516, Orphanet 610, MedGen C4225313, MONDO:0034022, OMIM 616471.

gnomAD v4.1: 2 of 1,613,372 alleles (0.00012%); highest among the groups gnomAD compares: Non-Finnish European, 0.00017%; no homozygotes.

Submission:

Labcorp Genetics (formerly Invitae), Labcorp
Classification: Uncertain significance for Bethlem myopathy 2; Ullrich congenital muscular dystrophy 2. Last evaluated: 2024-09-11. Review status: criteria provided, single submitter. Criteria: Invitae Variant Classification Sherloc (09022015). Collection method: clinical testing. Allele origin: germline.
Comment: This sequence change replaces asparagine, which is neutral and polar, with histidine, which is basic and polar, at codon 2528 of the COL12A1 protein (p.Asn2528His). This variant is present in population databases (rs754177385, gnomAD 0.0009%). This variant has not been reported in the literature in individuals affected with COL12A1-related conditions. Invitae Evidence Modeling of protein sequence and biophysical properties (such as structural, functional, and spatial information, amino acid conservation, physicochemical variation, residue mobility, and thermodynamic stability) indicates that this missense variant is not expected to disrupt COL12A1 protein function with a negative predictive value of 80%. In summary, the available evidence is currently insufficient to determine the role of this variant in disease. Therefore, it has been classified as a Variant of Uncertain Significance.